The following is an entry in ClinVar:

NM_000260.4(MYO7A):c.2624C>A (p.Ala875Glu)

Gene: MYO7A (myosin VIIA; plus strand). Cytogenetic location: 11q13.5.
Variant type: single nucleotide variant.
Coding change: c.2624C>A on transcript NM_000260.4 (MANE Select); coding-DNA position 2624, C replaced by A.
Protein change: p.Ala875Glu; replaces alanine 875 with glutamic acid.
Molecular consequence: missense variant.
Genome position (GRCh38, 1-based): chr11:77,180,411, C>A. VCF-style: chr11-77180411-C-A. GRCh37 (hg19) VCF-style: chr11-76891457-C-A.
Other names: c.2624C>A, p.Ala875Glu (NM_001127180.2); c.2591C>A, p.Ala864Glu (NM_001369365.1); short protein forms A875E, A864E.
Identifiers: ClinVar variation 2151403 (VCV002151403.4), dbSNP rs782016805, ClinGen allele CA6197882.

ClinVar aggregate classification (germline): Uncertain significance. Review status: criteria provided, multiple submitters, no conflicts (2 of 4 stars). 2 submissions from 2 submitters: Uncertain significance (2). Last evaluated 2024-12-04.

gnomAD v4.1: 14 of 1,608,206 alleles (0.00087%); highest among the groups gnomAD compares: African/African-American, 0.008%; no homozygotes.

Submissions (2):

Labcorp Genetics (formerly Invitae), Labcorp
Classification: Uncertain significance. Last evaluated: 2024-12-04. Review status: criteria provided, single submitter. Criteria: Invitae Variant Classification Sherloc (09022015). Collection method: clinical testing. Allele origin: germline.
Comment: This sequence change replaces alanine, which is neutral and non-polar, with glutamic acid, which is acidic and polar, at codon 875 of the MYO7A protein (p.Ala875Glu). The frequency data for this variant in the population databases is considered unreliable, as metrics indicate poor data quality at this position in the gnomAD database. This variant has not been reported in the literature in individuals affected with MYO7A-related conditions. ClinVar contains an entry for this variant (Variation ID: 2151403). Invitae Evidence Modeling of protein sequence and biophysical properties (such as structural, functional, and spatial information, amino acid conservation, physicochemical variation, residue mobility, and thermodynamic stability) indicates that this missense variant is not expected to disrupt MYO7A protein function with a negative predictive value of 95%. In summary, the available evidence is currently insufficient to determine the role of this variant in disease. Therefore, it has been classified as a Variant of Uncertain Significance.

Blueprint Genetics
Classification: Uncertain significance. Last evaluated: 2019-08-12. Review status: criteria provided, single submitter. Criteria: ACMG Guidelines, 2015. Collection method: clinical testing. Allele origin: germline.